The following is an entry in ClinVar:

ClinVar aggregate classification (germline): Pathogenic (1 of 4 stars; one submission).

Conditions:
Hereditary spastic paraplegia 49 (HSAN9). Also called: Spastic paraplegia 49, autosomal recessive; TECPR2-Related Hereditary Sensory and Autonomic Neuropathy with Intellectual Disability; NEUROPATHY, HEREDITARY SENSORY AND AUTONOMIC, TYPE IX, WITH DEVELOPMENTAL DELAY. Identifiers: Orphanet 320385, MedGen C5190860, MONDO:0014016, OMIM 615031.

Submission:

Labcorp Genetics (formerly Invitae), Labcorp
Classification: Pathogenic for Hereditary spastic paraplegia 49. Last evaluated: 2022-03-01. Review status: criteria provided, single submitter. Criteria: Invitae Variant Classification Sherloc (09022015). Collection method: clinical testing. Allele origin: unknown.
Comment: This variant is a gross deletion of the genomic region encompassing exon(s) 2-17 of the TECPR2 gene, which includes the initiator codon. This deletion extends beyond the assayed region for this gene and therefore may encompass additional genes. It is expected to result in an absent or disrupted protein product. Loss-of-function variants in TECPR2 are known to be pathogenic (PMID: 23176824, 25590979). For these reasons, this variant has been classified as Pathogenic. This variant has not been reported in the literature in individuals affected with TECPR2-related conditions.

Literature cited by the submitters: PubMed 23176824; PubMed 25590979.

NC_000014.8:g.(?_102843049)_(102931651_?)del

Gene: TECPR2 (tectonin beta-propeller repeat containing 2; plus strand). Cytogenetic location: 14q32.31.
Variant type: Deletion.
Identifiers: ClinVar variation 3244025 (VCV003244025.1).